The following is an entry in ClinVar:

ClinVar aggregate classification (germline): Conflicting classifications of pathogenicity. Review status: criteria provided, conflicting classifications (1 of 4 stars). 3 submissions from 3 submitters: Likely pathogenic (2); Uncertain significance (1). Last evaluated 2024-10-09.

Conditions:
Acne inversa, familial, 3 (ACNINV3). Identifiers: MedGen C3151038, MONDO:0013398, OMIM 613737.
Pick disease. Also called: DEMENTIA WITH LOBAR ATROPHY AND NEURONAL CYTOPLASMIC INCLUSIONS; PICK DISEASE OF BRAIN; Pick Disease of the Brain; Pick's disease; LOBAR ATROPHY OF BRAIN. Identifiers: Orphanet 282, MedGen C0236642, MONDO:0008243, OMIM 172700.
Frontotemporal dementia (FTD1). Also called: FRONTOTEMPORAL DEMENTIA WITH PARKINSONISM; FRONTOTEMPORAL LOBE DEMENTIA; Frontotemporal lobe dementia (FLDEM); FRONTOTEMPORAL LOBAR DEGENERATION WITH TAU INCLUSIONS; FTLD WITH TAU INCLUSIONS; MULTIPLE SYSTEM TAUOPATHY WITH PRESENILE DEMENTIA. Identifiers: Orphanet 282, MedGen C0338451, MONDO:0017276, OMIM 600274, HP:0002145.
Alzheimer disease 3 (AD3). Also called: ALZHEIMER DISEASE, FAMILIAL, 3. Identifiers: Orphanet 1020, MedGen C1843013, MONDO:0011913, OMIM 607822.

Submissions (3):

Victorian Clinical Genetics Services, Murdoch Childrens Research Institute
Classification: Likely pathogenic for Alzheimer disease 3. Last evaluated: 2024-10-09. Review status: criteria provided, single submitter. Criteria: ACMG Guidelines, 2015. Collection method: clinical testing. Allele origin: germline. Inheritance: Autosomal dominant inheritance. Affected: yes.
Comment: Based on the classification scheme VCGS_Germline_v1.3.4, this variant is classified as Likely pathogenic. Following criteria are met: 0104 - Dominant negative is a likely mechanism of disease in this gene and is associated with Alzheimer disease (PMIDs: 27930341, 28082723, 29142009). (I) 0107 - This gene is associated with autosomal dominant disease. (I) 0200 - Variant is predicted to result in a missense amino acid change from proline to alanine. (I) 0251 - This variant is heterozygous. (I) 0301 - Variant is absent from gnomAD (both v2 and v3). (SP) 0501 - Missense variant consistently predicted to be damaging by multiple in silico tools or highly conserved with a major amino acid change. (SP) 0601 - Variant is located in the well-established functional PALP motif which includes residue 436 and is critical for gamma-secretase activity (PMIDs: 36142879, 18482978, 20460383, 17108181, 26142917). (SP) 0702 - Other missense variants comparable to the one identified in this case have strong previous evidence for pathogenicity. Two alternative changes, p.(Pro436Ser) and p.(Pro436Gln), have been reported in several individuals with early onset Alzheimer's disease, with some reports specifically mentioning presentation of hereditary spastic paraplegia and pathology findings of cotton wool plaques (PMIDs: 10090481, 28003435, 27777022, 9831473, 11079548, 15115757, 34366350, ClinVar). (SP) 0807 - This variant has no previous evidence of pathogenicity. (I) 0903 - This variant has limited evidence for segregation with disease. (I) 1007 - No published functional evidence has been identified for this variant. (I) 1101 - Very strong and specific phenotype match for this individual. (SP) 1208 - Inheritance information for this variant is not currently available in this individual. (I) Legend: (SP) - Supporting pathogenic, (I) - Information, (SB) - Supporting benign

Molecular Genetics, Royal Melbourne Hospital
Classification: Likely pathogenic for Alzheimer disease 3. Last evaluated: 2024-02-05. Review status: criteria provided, single submitter. Criteria: ACMG Guidelines, 2015. Collection method: clinical testing. Allele origin: germline. Inheritance: Autosomal dominant inheritance. Affected: yes.
Comment: This sequence change in PSEN1 is predicted to replace proline with alanine at codon 436, p.(Pro436Ala). The proline residue is highly conserved (100 vertebrates, Multiz Alignments), and is a critical residue for gamma-secretase activity located adjacent to the PAL motif in the TM9 domain (PMID: 18482978, 20460383, 21531718). There is a small physicochemical difference between proline and alanine. This variant is absent from the population database gnomAD v4.0. To our knowledge, this variant is novel and has not been previously reported in the relevant scientific literature or databases. This variant segregates with a variant of Alzheimer's disease with spastic paraparesis and cotton wool plaques in a single family (Personal communication). Computational evidence predicts a deleterious effect for the missense substitution (REVEL = 0.95). Other missense variants altering the Pro436 residue have been reported in individuals with Alzheimer's disease (PMID: 11079548, 10090481). Based on the classification scheme RMH Modified ACMG Guidelines v1.6.1, this variant is classified as LIKELY PATHOGENIC. Following criteria are met: PM1, PP3_Moderate, PP1, PM2_Supporting.

Labcorp Genetics (formerly Invitae), Labcorp
Classification: Uncertain significance for Alzheimer disease 3; Pick disease; Acne inversa, familial, 3; Frontotemporal dementia. Last evaluated: 2024-01-13. Review status: criteria provided, single submitter. Criteria: Invitae Variant Classification Sherloc (09022015). Collection method: clinical testing. Allele origin: germline.
Comment: This sequence change replaces proline, which is neutral and non-polar, with alanine, which is neutral and non-polar, at codon 436 of the PSEN1 protein (p.Pro436Ala). This variant is not present in population databases (gnomAD no frequency). This missense change has been observed in individual(s) with early-onset Alzheimer disease (Invitae). Advanced modeling of protein sequence and biophysical properties (such as structural, functional, and spatial information, amino acid conservation, physicochemical variation, residue mobility, and thermodynamic stability) performed at Invitae indicates that this missense variant is expected to disrupt PSEN1 protein function with a positive predictive value of 80%. This variant disrupts the p.Pro436 amino acid residue in PSEN1. Other variant(s) that disrupt this residue have been determined to be pathogenic (PMID: 17431506, 20460383, 34366350). This suggests that this residue is clinically significant, and that variants that disrupt this residue are likely to be disease-causing. In summary, the available evidence is currently insufficient to determine the role of this variant in disease. Therefore, it has been classified as a Variant of Uncertain Significance.

Literature cited by the submitters: PubMed 9831473 (cited by Victorian Clinical Genetics Services, Murdoch Childrens Research Institute); PubMed 10090481 (cited by Victorian Clinical Genetics Services, Murdoch Childrens Research Institute and Molecular Genetics, Royal Melbourne Hospital); PubMed 11079548 (cited by Victorian Clinical Genetics Services, Murdoch Childrens Research Institute and Molecular Genetics, Royal Melbourne Hospital); PubMed 15115757 (cited by Victorian Clinical Genetics Services, Murdoch Childrens Research Institute); PubMed 17108181 (cited by Victorian Clinical Genetics Services, Murdoch Childrens Research Institute); PubMed 18482978 (cited by Victorian Clinical Genetics Services, Murdoch Childrens Research Institute and Molecular Genetics, Royal Melbourne Hospital); PubMed 20460383 (cited by 3 submitters); PubMed 26142917 (cited by Victorian Clinical Genetics Services, Murdoch Childrens Research Institute); PubMed 27777022 (cited by Victorian Clinical Genetics Services, Murdoch Childrens Research Institute); PubMed 27930341 (cited by Victorian Clinical Genetics Services, Murdoch Childrens Research Institute); PubMed 28003435 (cited by Victorian Clinical Genetics Services, Murdoch Childrens Research Institute); PubMed 28082723 (cited by Victorian Clinical Genetics Services, Murdoch Childrens Research Institute); PubMed 29142009 (cited by Victorian Clinical Genetics Services, Murdoch Childrens Research Institute); PubMed 34366350 (cited by Victorian Clinical Genetics Services, Murdoch Childrens Research Institute and Labcorp Genetics (formerly Invitae), Labcorp); PubMed 36142879 (cited by Victorian Clinical Genetics Services, Murdoch Childrens Research Institute); PubMed 21531718 (cited by Molecular Genetics, Royal Melbourne Hospital); PubMed 17431506 (cited by Labcorp Genetics (formerly Invitae), Labcorp).

NM_000021.4(PSEN1):c.1306C>G (p.Pro436Ala)

Gene: PSEN1 (presenilin 1; plus strand). Cytogenetic location: 14q24.2.
Variant type: single nucleotide variant.
Coding change: c.1306C>G on transcript NM_000021.4 (MANE Select); coding-DNA position 1306, C replaced by G.
Protein change: p.Pro436Ala; replaces proline 436 with alanine.
Molecular consequence: missense variant.
Genome position (GRCh38, 1-based): chr14:73,219,191, C>G. VCF-style: chr14-73219191-C-G. GRCh37 (hg19) VCF-style: chr14-73685899-C-G.
Other names: c.1294C>G, p.Pro432Ala (NM_007318.3); c.1306C>G (NM_000021.3); short protein forms P432A, P436A.
Identifiers: ClinVar variation 2922173 (VCV002922173.5), dbSNP rs63749925, ClinGen allele CA390306071.
Genomic context (GRCh38, chr14:73,219,191, plus strand): 5'-CAGGGTTTGTGCCTTACATTATTACTCCTTGCCATTTTCAAGAAAGCATTGCCAGCTCTT[C>G]CAATCTCCATCACCTTTGGGCTTGTTTTCTACTTTGCCACAGATTATCTTGTACAGCCTT-3'
Protein context (NP_000012.1, residues 426-446): AIFKKALPAL[Pro436Ala]ISITFGLVFY